The following is an entry in ClinVar:

ClinVar aggregate classification (germline): Likely benign. Review status: criteria provided, multiple submitters, no conflicts (2 of 4 stars). 6 submissions from 6 submitters: Likely benign (2). 4 of the submissions do not count toward it. Last evaluated 2026-06-24.

Conditions:
Cardiovascular phenotype. Identifiers: MedGen CN230736.
JPH2-related disorder. Also called: JPH2-related condition.
Hypertrophic cardiomyopathy. Also called: HYPERTROPHIC MYOCARDIOPATHY. Identifiers: Orphanet 217569, MedGen C0007194, MeSH D002312, MONDO:0005045, HP:0001639.

Allele frequency attached by ClinVar (database versions not stated): ExAC 0.00003; 1000 Genomes Project 0.00020; 1000 Genomes Project 30x 0.00016; gnomAD exomes 0.00002; TOPMed 0.00003; gnomAD 0.00004.
gnomAD v4.1: 31 of 1,613,296 alleles (0.0019%); highest among the groups gnomAD compares: East Asian, 0.0022%; no homozygotes.

Submissions (6):

Ambry Genetics
Classification: Likely benign for Cardiovascular phenotype. Last evaluated: 2026-06-24. Review status: criteria provided, single submitter. Criteria: Ambry Variant Classification Scheme 2023. Collection method: clinical testing. Allele origin: germline.

Labcorp Genetics (formerly Invitae), Labcorp
Classification: Likely benign for Hypertrophic cardiomyopathy. Last evaluated: 2025-12-01. Review status: criteria provided, single submitter. Criteria: Invitae Variant Classification Sherloc (09022015). Collection method: clinical testing. Allele origin: germline.

PreventionGenetics, part of Exact Sciences
Classification: Likely benign for JPH2-related condition. Last evaluated: 2020-09-28. Review status: no assertion criteria provided. Collection method: clinical testing. Allele origin: germline. Not counted in ClinVar's aggregate classification.
Comment: This variant is classified as likely benign based on ACMG/AMP sequence variant interpretation guidelines (Richards et al. 2015 PMID: 25741868, with internal and published modifications).

Clinical Genetics DNA and cytogenetics Diagnostics Lab, Erasmus MC, Erasmus Medical Center
Classification: Likely benign. Review status: no assertion criteria provided. Collection method: clinical testing. Allele origin: germline. Affected: yes. Study: VKGL Data-share Consensus. Not counted in ClinVar's aggregate classification.

Clinical Genetics, Academic Medical Center
Classification: Benign. Review status: no assertion criteria provided. Collection method: clinical testing. Allele origin: germline. Affected: yes. Study: VKGL Data-share Consensus. Not counted in ClinVar's aggregate classification.

Joint Genome Diagnostic Labs from Nijmegen and Maastricht, Radboudumc and MUMC+
Classification: Likely benign. Review status: no assertion criteria provided. Collection method: clinical testing. Allele origin: germline. Affected: yes. Study: VKGL Data-share Consensus. Not counted in ClinVar's aggregate classification.

NM_020433.5(JPH2):c.1974C>T (p.Ala658=)

Gene: JPH2 (junctophilin 2; minus strand). Cytogenetic location: 20q13.12.
Variant type: single nucleotide variant.
Coding change: c.1974C>T on transcript NM_020433.5 (MANE Select); coding-DNA position 1974, C replaced by T.
Protein change: p.Ala658=; no amino-acid change (alanine 658 retained).
Molecular consequence: synonymous variant.
Genome position (GRCh38, 1-based): chr20:44,115,701, G>A on the plus strand (C>T on the coding strand, the complement: JPH2 is on the minus strand). VCF-style: chr20-44115701-G-A. GRCh37 (hg19) VCF-style: chr20-42744341-G-A.
Identifiers: ClinVar variation 215902 (VCV000215902.20), dbSNP rs554320907, ClinGen allele CA338749.
Genomic context (GRCh38, chr20:44,115,701, plus strand): 5'-GCACACCTTGCCCGACAGCCTCACCTCTTCCACCTCCACCTCCGCCTCTGCCGCCAGTGC[G>A]GCCTCCTTCCGCGCCTTCTTCTTGGCCCCCGCCTTGGTCAGCCCTCGAGCCTCAGTCTTG-3'
Protein context (NP_065166.2, residues 648-668): AGAKKKARKE[Ala658=]ALAAEAEVEV